The following is an entry in ClinVar:

NM_022039.4(FBXW4):c.216G>A (p.Gly72=)

Gene: FBXW4 (F-box and WD repeat domain containing 4; minus strand). Cytogenetic location: 10q24.32.
Variant type: single nucleotide variant.
Coding change: c.216G>A on transcript NM_022039.4 (MANE Select); coding-DNA position 216, G replaced by A.
Protein change: p.Gly72=; no amino-acid change (glycine 72 retained).
Molecular consequence: synonymous variant. On other transcripts: non-coding transcript variant (1), intron variant (1).
Genome position (GRCh38, 1-based): chr10:101,694,890, C>T on the plus strand (G>A on the coding strand, the complement: FBXW4 is on the minus strand). VCF-style: chr10-101694890-C-T. GRCh37 (hg19) VCF-style: chr10-103454647-C-T.
Other names: c.-2+350G>A (NM_001323541.2).
Identifiers: ClinVar variation 298547 (VCV000298547.8), dbSNP rs77990860, ClinGen allele CA10627908.

ClinVar aggregate classification (germline): Benign. Review status: criteria provided, multiple submitters, no conflicts (2 of 4 stars). 3 submissions from 3 submitters: Benign (3). Last evaluated 2021-05-13.

Conditions:
Split hand-foot malformation 3. Also called: CHROMOSOME 10q24 DUPLICATION SYNDROME; SHSF3; Buttiens Fryns syndrome. Identifiers: Orphanet 1307, MedGen C1838652, MONDO:0009525, OMIM 246560.

Allele frequency attached by ClinVar (database versions not stated): gnomAD 0.02621 and 0.02820; 1000 Genomes Project 0.02696; 1000 Genomes Project 30x 0.02748; TOPMed 0.02974.
gnomAD v4.1: 7,363 of 1,242,768 alleles (0.59%); highest among the groups gnomAD compares: African/African-American, 9.2%; 318 homozygotes.

Submissions (3):

GeneDx
Classification: Benign. Last evaluated: 2021-05-13. Review status: criteria provided, single submitter. Criteria: GeneDx Variant Classification Process June 2021. Collection method: clinical testing. Allele origin: germline. Affected: yes.

Illumina Laboratory Services, Illumina
Classification: Benign for Split hand-foot malformation 3. Last evaluated: 2018-01-12. Review status: criteria provided, single submitter. Criteria: ICSL Variant Classification Criteria 13 December 2019. Collection method: clinical testing. Allele origin: germline.
Comment: This variant was observed in the ICSL laboratory as part of a predisposition screen in an ostensibly healthy population. It had not been previously curated by ICSL or reported in the Human Gene Mutation Database (HGMD: prior to June 1st, 2018), and was therefore a candidate for classification through an automated scoring system. Utilizing variant allele frequency, disease prevalence and penetrance estimates, and inheritance mode, an automated score was calculated to assess if this variant is too frequent to cause the disease. Based on the score and internal cut-off values, a variant classified as benign is not then subjected to further curation. The score for this variant resulted in a classification of benign for this disease.

Breakthrough Genomics
Classification: Benign. Review status: criteria provided, single submitter. Criteria: ACMG Guidelines, 2015. Collection method: not provided. Allele origin: germline. Inheritance: Unknown mechanism. Affected: yes.